The following is an entry in ClinVar:

NM_005359.6(SMAD4):c.1140-16C>A

Gene: SMAD4 (SMAD family member 4; plus strand). Cytogenetic location: 18q21.2.
Variant type: single nucleotide variant.
Coding change: c.1140-16C>A on transcript NM_005359.6 (MANE Select); 16 bases into the intron before coding-DNA position 1140, C replaced by A.
Molecular consequence: intron variant.
Genome position (GRCh38, 1-based): chr18:51,067,003, C>A. VCF-style: chr18-51067003-C-A. GRCh37 (hg19) VCF-style: chr18-48593373-C-A.
Identifiers: ClinVar variation 383557 (VCV000383557.4), dbSNP rs1057521669, ClinGen allele CA8966017.
Genomic context (GRCh38, chr18:51,067,003, plus strand): 5'-ATGCTATACAATCTGAACTAAAATTTAATTTAAAATACTTATCAAGATAAAATGTAATTT[C>A]TTTTTTCTTCCTAAGGTTGCACATAGGCAAAGGTGTGCAGTTGGAATGTAAAGGTGAAGG-3'

ClinVar aggregate classification (germline): Likely benign. Review status: criteria provided, multiple submitters, no conflicts (2 of 4 stars). 2 submissions from 2 submitters: Likely benign (2). Last evaluated 2025-06-03.

Conditions:
Juvenile polyposis syndrome (JPS). Identifiers: Orphanet 2929, MedGen C0345893, MONDO:0017380, OMIM 174900.

Allele frequency attached by ClinVar (database versions not stated): gnomAD exomes below 0.00001 and 0.00001; ExAC 0.00001.
gnomAD v4.1: 7 of 1,595,172 alleles (0.00044%); highest among the groups gnomAD compares: Non-Finnish European, 0.0006%; no homozygotes.

Submissions (2):

Labcorp Genetics (formerly Invitae), Labcorp
Classification: Likely benign for Juvenile polyposis syndrome. Last evaluated: 2025-06-03. Review status: criteria provided, single submitter. Criteria: Invitae Variant Classification Sherloc (09022015). Collection method: clinical testing. Allele origin: germline.

GeneDx
Classification: Likely benign. Last evaluated: 2016-11-11. Review status: criteria provided, single submitter. Criteria: GeneDx Variant Classification (06012015). Collection method: clinical testing. Allele origin: germline. Affected: yes.
Comment: This variant is considered likely benign or benign based on one or more of the following criteria: it is a conservative change, it occurs at a poorly conserved position in the protein, it is predicted to be benign by multiple in silico algorithms, and/or has population frequency not consistent with disease.